The following is an entry in ClinVar:

NM_139027.6(ADAMTS13):c.2050C>T (p.Gln684Ter)

Gene: ADAMTS13 (ADAM metallopeptidase with thrombospondin type 1 motif 13; plus strand). Cytogenetic location: 9q34.2.
Variant type: single nucleotide variant.
Coding change: c.2050C>T on transcript NM_139027.6 (MANE Select); coding-DNA position 2050, C replaced by T.
Protein change: p.Gln684Ter; replaces glutamine 684 with a stop codon.
Molecular consequence: nonsense.
Genome position (GRCh38, 1-based): chr9:133,442,480, C>T. VCF-style: chr9-133442480-C-T. GRCh37 (hg19) VCF-style: chr9-136307601-C-T.
Other names: p.Gln684*; c.2050C>T, p.Gln684Ter (NM_139025.5); c.1957C>T, p.Gln653Ter (NM_139026.6); short protein forms Q653*, Q684*.
Identifiers: ClinVar variation 2997683 (VCV002997683.4), dbSNP rs370121816, ClinGen allele CA200933906.

ClinVar aggregate classification (germline): Pathogenic/Likely pathogenic. Review status: criteria provided, multiple submitters, no conflicts (2 of 4 stars). 2 submissions from 2 submitters: Pathogenic (1); Likely pathogenic (1). Last evaluated 2025-11-16.

Allele frequency attached by ClinVar (database versions not stated): gnomAD exomes 0.00001; ExAC 0.00002; TOPMed 0.00002; ESP Exome Variant Server 0.00008.
gnomAD v4.1: 3 of 1,613,786 alleles (0.00019%); highest among the groups gnomAD compares: Admixed American, 0.005%; no homozygotes.

Submissions (2):

Mayo Clinic Laboratories, Mayo Clinic
Classification: Likely pathogenic. Last evaluated: 2025-11-16. Review status: criteria provided, single submitter. Criteria: ACMG Guidelines, 2015. Collection method: clinical testing. Allele origin: germline. Observed: 2 variant alleles.
Comment: PM2_supporting, PVS1

Labcorp Genetics (formerly Invitae), Labcorp
Classification: Pathogenic. Last evaluated: 2023-08-04. Review status: criteria provided, single submitter. Criteria: Invitae Variant Classification Sherloc (09022015). Collection method: clinical testing. Allele origin: germline.
Comment: This sequence change creates a premature translational stop signal (p.Gln684*) in the ADAMTS13 gene. It is expected to result in an absent or disrupted protein product. Loss-of-function variants in ADAMTS13 are known to be pathogenic (PMID: 11586351, 12753286, 21781265). This variant is present in population databases (rs370121816, gnomAD 0.007%). This variant has not been reported in the literature in individuals affected with ADAMTS13-related conditions. Algorithms developed to predict the effect of sequence changes on RNA splicing suggest that this variant may disrupt the consensus splice site. For these reasons, this variant has been classified as Pathogenic.

Literature cited by the submitters: PubMed 11586351 (cited by Labcorp Genetics (formerly Invitae), Labcorp); PubMed 12753286 (cited by Labcorp Genetics (formerly Invitae), Labcorp); PubMed 21781265 (cited by Labcorp Genetics (formerly Invitae), Labcorp).